The following is an entry in ClinVar:

NM_006267.5(RANBP2):c.1882C>A (p.Pro628Thr)

Gene: RANBP2 (RAN binding protein 2; plus strand). Cytogenetic location: 2q13.
Variant type: single nucleotide variant.
Coding change: c.1882C>A on transcript NM_006267.5 (MANE Select); coding-DNA position 1882, C replaced by A.
Protein change: p.Pro628Thr; replaces proline 628 with threonine.
Molecular consequence: missense variant.
Genome position (GRCh38, 1-based): chr2:108,753,124, C>A. VCF-style: chr2-108753124-C-A. GRCh37 (hg19) VCF-style: chr2-109369580-C-A.
Other names: c.1882C>A, p.Pro628Thr (NM_001415871.1, NM_001415873.1); c.1879C>A, p.Pro627Thr (NM_001415872.1); short protein forms P627T, P628T.
Identifiers: ClinVar variation 2822590 (VCV002822590.3), dbSNP rs2149230486, ClinGen allele CA348052005.

ClinVar aggregate classification (germline): Uncertain significance (1 of 4 stars; one submission).

Conditions:
Familial acute necrotizing encephalopathy (IIAE3). Also called: ENCEPHALOPATHY, ACUTE, INFECTION-INDUCED, SUSCEPTIBILITY TO, 3; Susceptibility to Acute Necrotizing Encephalopathy 1. Identifiers: Orphanet 88619, MedGen C2675556, MONDO:0011953, OMIM 608033.

Allele frequency attached by ClinVar (database versions not stated): gnomAD exomes below 0.00001.
gnomAD v4.1: 5 of 1,609,230 alleles (0.00031%); highest among the groups gnomAD compares: South Asian, 0.0055%; no homozygotes.

Submission:

Labcorp Genetics (formerly Invitae), Labcorp
Classification: Uncertain significance for Familial acute necrotizing encephalopathy. Last evaluated: 2023-10-04. Review status: criteria provided, single submitter. Criteria: Invitae Variant Classification Sherloc (09022015). Collection method: clinical testing. Allele origin: germline.
Comment: This sequence change replaces proline, which is neutral and non-polar, with threonine, which is neutral and polar, at codon 628 of the RANBP2 protein (p.Pro628Thr). This variant is not present in population databases (gnomAD no frequency). This variant has not been reported in the literature in individuals affected with RANBP2-related conditions. An algorithm developed to predict the effect of missense changes on protein structure and function (PolyPhen-2) suggests that this variant is likely to be tolerated. In summary, the available evidence is currently insufficient to determine the role of this variant in disease. Therefore, it has been classified as a Variant of Uncertain Significance.